The following is an entry in ClinVar:

ClinVar aggregate classification (germline): Conflicting classifications of pathogenicity. Review status: criteria provided, conflicting classifications (1 of 4 stars). 2 submissions from 2 submitters: Uncertain significance (1); Likely benign (1). Last evaluated 2025-03-13.

Conditions:
Hereditary cancer-predisposing syndrome. Also called: Hereditary Cancer Syndrome; Hereditary neoplastic syndrome; Neoplastic Syndromes, Hereditary; Tumor predisposition. Identifiers: Orphanet 140162, MedGen C0027672, MeSH D009386, MONDO:0015356.
Rhabdoid tumor predisposition syndrome 2 (RTPS2). Identifiers: Orphanet 231108, Orphanet 69077, MedGen C2750074, MONDO:0013224, OMIM 613325.

Allele frequency attached by ClinVar (database versions not stated): gnomAD exomes below 0.00001.
gnomAD v4.1: 1 of 1,601,716 alleles (0.000062%); no homozygotes.

Submissions (2):

Labcorp Genetics (formerly Invitae), Labcorp
Classification: Likely benign for Rhabdoid tumor predisposition syndrome 2. Last evaluated: 2025-03-13. Review status: criteria provided, single submitter. Criteria: Invitae Variant Classification Sherloc (09022015). Collection method: clinical testing. Allele origin: germline.

Sema4
Classification: Uncertain significance for Hereditary cancer-predisposing syndrome. Last evaluated: 2022-01-03. Review status: criteria provided, single submitter. Criteria: Sema4 Curation Guidelines. Collection method: curation. Allele origin: germline.
Comment: The SMARCA4 c.2974-7C>T variant has not been reported in the literature to our knowledge. This variant has not been reported in the large and broad cohorts of the Genome Aggregation Database (PMID: 32461654), nor in ClinVar. In silico tools suggest that the variant does not have an effect on splicing, though these predictions have not been confirmed by functional studies. The evidence is insufficient to meet ACMG/AMP criteria for classifying the variant as benign or pathogenic. Thus, the clinical significance of this variant is currently uncertain.

NM_003072.5(SMARCA4):c.2974-7C>T

Gene: SMARCA4 (SWI/SNF related BAF chromatin remodeling complex subunit ATPase 4; plus strand). Cytogenetic location: 19p13.2.
Variant type: single nucleotide variant.
Coding change: c.2974-7C>T on transcript NM_003072.5 (MANE Select); 7 bases into the intron before coding-DNA position 2974, C replaced by T.
Molecular consequence: intron variant.
Genome position (GRCh38, 1-based): chr19:11,024,324, C>T. VCF-style: chr19-11024324-C-T. GRCh37 (hg19) VCF-style: chr19-11135000-C-T.
Other names: c.2974-7C>T (NM_001128844.3, NM_001128849.3, NM_001128847.4 and 5 more transcripts).
Identifiers: ClinVar variation 1692585 (VCV001692585.4), dbSNP rs1426053406, ClinGen allele CA631760701.
Genomic context (GRCh38, chr19:11,024,324, plus strand): 5'-GTTCGGATGGGGGGAGTCAGGCCTCAAGCCACCTTGGGCCCTCGTGAGCATTATGTGTCC[C>T]CTGCAGGTGGAGTACGTCATCAAGTGCGACATGTCTGCGCTGCAGCGAGTGCTCTACCGC-3'